The following is an entry in ClinVar:

ClinVar aggregate classification (germline): Pathogenic (1 of 4 stars; one submission).

Conditions:
Early-infantile DEE. Also called: Early infantile epileptic encephalopathy with suppression bursts; Early infantile epileptic encephalopathy; Ohtahara syndrome. Identifiers: Orphanet 1934, MedGen C0393706, MONDO:0800491.

Submission:

Labcorp Genetics (formerly Invitae), Labcorp
Classification: Pathogenic for Early-infantile DEE. Last evaluated: 2024-05-28. Review status: criteria provided, single submitter. Criteria: Invitae Variant Classification Sherloc (09022015). Collection method: clinical testing. Allele origin: germline.
Comment: This sequence change creates a premature translational stop signal (p.Met2336Ilefs*2) in the SPTAN1 gene. It is expected to result in an absent or disrupted protein product. Loss-of-function variants in SPTAN1 are known to be pathogenic (PMID: 31332438, 33206935). This variant is not present in population databases (gnomAD no frequency). This variant has not been reported in the literature in individuals affected with SPTAN1-related conditions. For these reasons, this variant has been classified as Pathogenic.

Literature cited by the submitters: PubMed 31332438; PubMed 33206935.

NM_001130438.3(SPTAN1):c.7008_7009del (p.Met2336fs)

Gene: SPTAN1 (spectrin alpha, non-erythrocytic 1; plus strand). Cytogenetic location: 9q34.11.
Variant type: Deletion.
Coding change: c.7008_7009del on transcript NM_001130438.3 (MANE Select); coding-DNA positions 7008 to 7009, 2 bases deleted (GT; older notation c.7008_7009delGT).
Protein change: p.Met2336fs; shifts the reading frame from methionine 2336.
Molecular consequence: frameshift variant.
Genome position (GRCh38, 1-based): chr9:128,632,479-128,632,480, GT deleted; deleting any 2 consecutive bases within chr9:128,632,478-128,632,480 gives the same sequence; the c. name uses the placement nearest the transcript's 3' end. VCF-style (leftmost placement, unchanged base first): chr9-128632477-ATG-A. GRCh37 (hg19) VCF-style: chr9-131394756-ATG-A.
Other names: c.6933_6934del, p.Met2311fs (NM_001195532.2); c.7071_7072del, p.Met2357fs (NM_001363759.2); c.6948_6949del, p.Met2316fs (NM_001363765.2, NM_001375314.2); c.7095_7096del, p.Met2365fs (NM_001375310.1); c.7008_7009del, p.Met2336fs (NM_001375311.2); c.7044_7045del, p.Met2348fs (NM_001375312.2); c.6990_6991del, p.Met2330fs (NM_001375313.1); c.7107_7108del, p.Met2369fs (NM_001375318.1); and 1 more; short protein forms M2316fs, M2330fs, M2331fs, M2336fs, M2348fs, M2357fs, M2365fs, M2311fs.
Identifiers: ClinVar variation 3631635 (VCV003631635.2).